The following is an entry in ClinVar:

NM_001734.5(C1S):c.2054C>G (p.Pro685Arg)

Gene: C1S (complement C1s; plus strand). Cytogenetic location: 12p13.31.
Variant type: single nucleotide variant.
Coding change: c.2054C>G on transcript NM_001734.5 (MANE Select); coding-DNA position 2054, C replaced by G.
Protein change: p.Pro685Arg; replaces proline 685 with arginine.
Molecular consequence: missense variant.
Genome position (GRCh38, 1-based): chr12:7,070,638, C>G. VCF-style: chr12-7070638-C-G. GRCh37 (hg19) VCF-style: chr12-7177942-C-G.
Other names: c.1553C>G, p.Pro518Arg (NM_001346850.2); c.2054C>G, p.Pro685Arg (NM_201442.4); short protein forms P518R, P685R.
Identifiers: ClinVar variation 1960538 (VCV001960538.5), dbSNP rs782300338, ClinGen allele CA6423881.

ClinVar aggregate classification (germline): Uncertain significance (1 of 4 stars; one submission).

Allele frequency attached by ClinVar (database versions not stated): gnomAD 0.00002; ExAC 0.00003; TOPMed 0.00002.
gnomAD v4.1: 10 of 1,613,656 alleles (0.00062%); highest among the groups gnomAD compares: Admixed American, 0.0017%; no homozygotes.

Submission:

Labcorp Genetics (formerly Invitae), Labcorp
Classification: Uncertain significance. Last evaluated: 2025-10-26. Review status: criteria provided, single submitter. Criteria: Invitae Variant Classification Sherloc (09022015). Collection method: clinical testing. Allele origin: germline.
Comment: This sequence change replaces proline, which is neutral and non-polar, with arginine, which is basic and polar, at codon 685 of the C1S protein (p.Pro685Arg). This variant is present in population databases (rs782300338, gnomAD 0.003%). This variant has not been reported in the literature in individuals affected with C1S-related conditions. ClinVar contains an entry for this variant (Variation ID: 1960538). An algorithm developed to predict the effect of missense changes on protein structure and function (PolyPhen-2) suggests that this variant is likely to be disruptive. In summary, the available evidence is currently insufficient to determine the role of this variant in disease. Therefore, it has been classified as a Variant of Uncertain Significance.